The following is an entry in ClinVar:

NM_030665.4(RAI1):c.5545A>G (p.Met1849Val)

Gene: RAI1 (retinoic acid induced 1; plus strand). Cytogenetic location: 17p11.2.
Variant type: single nucleotide variant.
Coding change: c.5545A>G on transcript NM_030665.4 (MANE Select); coding-DNA position 5545, A replaced by G.
Protein change: p.Met1849Val; replaces methionine 1849 with valine.
Molecular consequence: missense variant.
Genome position (GRCh38, 1-based): chr17:17,798,493, A>G. VCF-style: chr17-17798493-A-G. GRCh37 (hg19) VCF-style: chr17-17701807-A-G.
Other names: short protein forms M1849V.
Identifiers: ClinVar variation 589676 (VCV000589676.14), dbSNP rs373921882, ClinGen allele CA8419184.

ClinVar aggregate classification (germline): Benign/Likely benign. Review status: criteria provided, multiple submitters, no conflicts (2 of 4 stars). 4 submissions from 4 submitters: Benign (1); Likely benign (2). 1 of the submissions does not count toward it. Last evaluated 2026-01-26.

Conditions:
RAI1-related disorder. Also called: RAI1-related condition.
Inborn genetic diseases. Identifiers: MedGen C0950123, MeSH D030342.

Allele frequency attached by ClinVar (database versions not stated): ExAC 0.00008; gnomAD exomes 0.00009; TOPMed 0.00012; gnomAD 0.00013 and 0.00014.

Submissions (4):

Labcorp Genetics (formerly Invitae), Labcorp
Classification: Benign. Last evaluated: 2026-01-26. Review status: criteria provided, single submitter. Criteria: Invitae Variant Classification Sherloc (09022015). Collection method: clinical testing. Allele origin: germline.

Blueprint Genetics
Classification: Likely benign. Last evaluated: 2024-11-27. Review status: criteria provided, single submitter. Criteria: ACMG Guidelines, 2015. Collection method: clinical testing. Allele origin: germline.

Ambry Genetics
Classification: Likely benign for Inborn genetic diseases. Last evaluated: 2018-07-19. Review status: criteria provided, single submitter. Criteria: Ambry Variant Classification Scheme 2023. Collection method: clinical testing. Allele origin: germline.

PreventionGenetics, part of Exact Sciences
Classification: Likely benign for RAI1-related condition. Last evaluated: 2024-08-13. Review status: no assertion criteria provided. Collection method: clinical testing. Allele origin: germline. Not counted in ClinVar's aggregate classification.
Comment: This variant is classified as likely benign based on ACMG/AMP sequence variant interpretation guidelines (Richards et al. 2015 PMID: 25741868, with internal and published modifications).